The following is an entry in ClinVar:

ClinVar aggregate classification (germline): Uncertain significance (1 of 4 stars; one submission).

Submission:

Labcorp Genetics (formerly Invitae), Labcorp
Classification: Uncertain significance. Last evaluated: 2023-07-17. Review status: criteria provided, single submitter. Criteria: Invitae Variant Classification Sherloc (09022015). Collection method: clinical testing. Allele origin: germline.
Comment: In summary, the available evidence is currently insufficient to determine the role of this variant in disease. Therefore, it has been classified as a Variant of Uncertain Significance. An algorithm developed to predict the effect of missense changes on protein structure and function (PolyPhen-2) suggests that this variant is likely to be tolerated. This variant has not been reported in the literature in individuals affected with PITPNM3-related conditions. This variant is not present in population databases (gnomAD no frequency). This sequence change replaces proline, which is neutral and non-polar, with glutamine, which is neutral and polar, at codon 957 of the PITPNM3 protein (p.Pro957Gln).

NM_031220.4(PITPNM3):c.2870C>A (p.Pro957Gln)

Gene: PITPNM3 (PITPNM family member 3; minus strand). Cytogenetic location: 17p13.2.
Variant type: single nucleotide variant.
Coding change: c.2870C>A on transcript NM_031220.4 (MANE Select); coding-DNA position 2870, C replaced by A.
Protein change: p.Pro957Gln; replaces proline 957 with glutamine.
Molecular consequence: missense variant.
Genome position (GRCh38, 1-based): chr17:6,455,393, G>T on the plus strand (C>A on the coding strand, the complement: PITPNM3 is on the minus strand). VCF-style: chr17-6455393-G-T. GRCh37 (hg19) VCF-style: chr17-6358713-G-T.
Other names: c.2762C>A, p.Pro921Gln (NM_001165966.2); short protein forms P921Q, P957Q.
Identifiers: ClinVar variation 2739247 (VCV002739247.3), dbSNP rs2543962044, ClinGen allele CA397399605.
Genomic context (GRCh38, chr17:6,455,393, plus strand): 5'-ACCCCTCAGGGCACCGACTCGAACTTGGGGGGCCCACGCGCCCAGCTGAGCGCCGGCAGC[G>T]GCCGCTCGTGGTCTTTGTCCGACTCGGGCTGGCTCTGGGCCCGCTCGGGCTTGGGGTTGG-3'
Protein context (NP_112497.2, residues 947-967): QPESDKDHER[Pro957Gln]LPALSWARGP